The following is an entry in ClinVar:

NM_000277.3(PAH):c.1044_1047dup (p.Ser350fs)

Gene: PAH (phenylalanine hydroxylase; minus strand). Cytogenetic location: 12q23.2.
Variant type: Duplication.
Coding change: c.1044_1047dup on transcript NM_000277.3 (MANE Select); coding-DNA positions 1044 to 1047, 4 bases duplicated (GTCA; older notation c.1044_1047dupGTCA).
Protein change: p.Ser350fs; shifts the reading frame from serine 350.
Molecular consequence: frameshift variant.
Genome position (GRCh38, 1-based): chr12:102,844,354-102,844,357, TGAC duplicated on the plus strand (GTCA on the coding strand, the reverse complement: PAH is on the minus strand). VCF-style (leftmost placement, unchanged base first): chr12-102844353-A-ATGAC. GRCh37 (hg19) VCF-style: chr12-103238131-A-ATGAC.
Other names: NM_000277.3(PAH):c.1044_1047dup; p.Ser350fs; c.1044_1047dup, p.Ser350fs (NM_001354304.2); short protein forms S350fs.
Identifiers: ClinVar variation 102493 (VCV000102493.2), dbSNP rs62516157, ClinGen allele CA229303.
Genomic context (GRCh38, chr12:102,844,353, plus strand): 5'-CCACCACTTTTAAATCTATCCTTGGTTCCTGTGAAGGTCATACCTGTAATTCACCAAAGG[A>ATGAC]TGACAGGAGCCCAGCACCATATGCCTTTATGGAGTCTCCTTGTTTGCAGAGCCCAAACTC-3'

ClinVar aggregate classification (germline): Likely pathogenic. Review status: reviewed by expert panel (3 of 4 stars). 2 submissions from 2 submitters: Likely pathogenic (1). 1 of the submissions does not count toward it. Last evaluated 2020-08-31.

Conditions:
Phenylketonuria (PKU). Also called: Phenylketonuria (PKU); FOLLING DISEASE; OLIGOPHRENIA PHENYLPYRUVICA; Phenylketonurias. Identifiers: Orphanet 716, MedGen C0031485, MONDO:0009861, OMIM 261600. Disease mechanism: loss of function.

Submissions (2):

ClinGen PAH Variant Curation Expert Panel
Classification: Likely pathogenic for Phenylketonuria. Last evaluated: 2020-08-31. Review status: reviewed by expert panel. Criteria: ClinGen PAH ACMG Specifications v1. Collection method: curation. Allele origin: germline. Inheritance: Autosomal recessive inheritance.
Comment: The c.1044_1047dup (p.Ser350fs) variant in PAH is absent from population databases (PM2). This frameshift variant is predicted to undergo NMD, not located in last exon or last 50bp of preliminary exon. Coding exon number 10 out of 13 coding exons (10 out of total exons) (PVS1). This variant is absent from the literature. In summary, this variant meets criteria to be classified as likely pathogenic for PAH. PAH-specific ACMG/AMP criteria applied: PVS1, PM2.

DeBelle Laboratory for Biochemical Genetics, MUHC/MCH RESEARCH INSTITUTE
No classification provided. Review status: no classification provided. Collection method: not provided. Allele origin: not provided. Not counted in ClinVar's aggregate classification.